The following is an entry in ClinVar:

ClinVar aggregate classification (germline): Uncertain significance (1 of 4 stars; one submission).

Conditions:
Ullrich congenital muscular dystrophy 2 (UCMD2). Identifiers: Orphanet 75840, MedGen C4225314, MONDO:0014654, OMIM 616470.
Bethlem myopathy 2 (BTHLM2). Identifiers: Orphanet 536516, Orphanet 610, MedGen C4225313, MONDO:0034022, OMIM 616471.

gnomAD v4.1: 3 of 1,613,884 alleles (0.00019%); highest among the groups gnomAD compares: African/African-American, 0.0013%; no homozygotes.

Submission:

Labcorp Genetics (formerly Invitae), Labcorp
Classification: Uncertain significance for Bethlem myopathy 2; Ullrich congenital muscular dystrophy 2. Last evaluated: 2022-12-12. Review status: criteria provided, single submitter. Criteria: Invitae Variant Classification Sherloc (09022015). Collection method: clinical testing. Allele origin: germline.
Comment: In summary, the available evidence is currently insufficient to determine the role of this variant in disease. Therefore, it has been classified as a Variant of Uncertain Significance. Advanced modeling of protein sequence and biophysical properties (such as structural, functional, and spatial information, amino acid conservation, physicochemical variation, residue mobility, and thermodynamic stability) performed at Invitae indicates that this missense variant is not expected to disrupt COL12A1 protein function. This variant has not been reported in the literature in individuals affected with COL12A1-related conditions. This variant is not present in population databases (gnomAD no frequency). This sequence change replaces glycine, which is neutral and non-polar, with glutamic acid, which is acidic and polar, at codon 922 of the COL12A1 protein (p.Gly922Glu).

NM_004370.6(COL12A1):c.2765G>A (p.Gly922Glu)

Gene: COL12A1 (collagen type XII alpha 1 chain; minus strand). Cytogenetic location: 6q13.
Variant type: single nucleotide variant.
Coding change: c.2765G>A on transcript NM_004370.6 (MANE Select); coding-DNA position 2765, G replaced by A.
Protein change: p.Gly922Glu; replaces glycine 922 with glutamic acid.
Molecular consequence: missense variant. On other transcripts: intron variant (2).
Genome position (GRCh38, 1-based): chr6:75,165,725, C>T on the plus strand (G>A on the coding strand, the complement: COL12A1 is on the minus strand). VCF-style: chr6-75165725-C-T. GRCh37 (hg19) VCF-style: chr6-75875441-C-T.
Other names: c.2765G>A, p.Gly922Glu (NM_001424113.1, NM_001424114.1); c.2492G>A, p.Gly831Glu (NM_001424115.1); c.74-13243G>A (NM_001424116.1, NM_080645.3); short protein forms G831E, G922E.
Identifiers: ClinVar variation 2929939 (VCV002929939.3), dbSNP rs772929582, ClinGen allele CA364758628.